The following is an entry in ClinVar:

NM_032119.4(ADGRV1):c.461C>A (p.Ser154Ter)

Gene: ADGRV1 (adhesion G protein-coupled receptor V1; plus strand). Cytogenetic location: 5q14.3.
Variant type: single nucleotide variant.
Coding change: c.461C>A on transcript NM_032119.4 (MANE Select); coding-DNA position 461, C replaced by A.
Protein change: p.Ser154Ter; replaces serine 154 with a stop codon.
Molecular consequence: nonsense. On other transcripts: non-coding transcript variant (1).
Genome position (GRCh38, 1-based): chr5:90,622,604, C>A. VCF-style: chr5-90622604-C-A. GRCh37 (hg19) VCF-style: chr5-89918421-C-A.
Other names: short protein forms S154*.
Identifiers: ClinVar variation 2818627 (VCV002818627.5), dbSNP rs2531757792, ClinGen allele CA360362781.

ClinVar aggregate classification (germline): Pathogenic/Likely pathogenic. Review status: criteria provided, multiple submitters, no conflicts (2 of 4 stars). 2 submissions from 2 submitters: Pathogenic (1); Likely pathogenic (1). Last evaluated 2024-09-24.

Conditions:
Usher syndrome type 2C. Also called: Usher syndrome, type 2B; USHER SYNDROME, TYPE IIC. Identifiers: Orphanet 231178, Orphanet 886, MedGen C2931213, MONDO:0011558, OMIM 605472.

Allele frequency attached by ClinVar (database versions not stated): gnomAD exomes below 0.00001.

Submissions (2):

Equipe Genetique des Anomalies du Developpement, Université de Bourgogne
Classification: Likely pathogenic for Usher syndrome type 2C. Last evaluated: 2024-09-24. Review status: criteria provided, single submitter. Criteria: ACMG Guidelines, 2015. Collection method: clinical testing. Allele origin: biparental. Affected: yes.
Comment: c.461C>A is a nonsense variant predicted to result in a premature stop codon at position 154 and likely results in an absent or disrupted protein product. ADGRV1 encodes a protein with an essential role in the developpement of hearing and vision. ADGRV1 variants are reported as pathogenic in Usher type 2C syndrome (OMIM 605472), especially nonsense variants (PMID : 22147658, 32467589, 35076463, 37422204). This variant is not present in a homozygous state in population database gnomAD (v4.1.0). It was reported as pathogenic once in ClinVar. It has not been reported in literature. Based on the evidence outlined above, the variant was classified as likely pathogenic.

Labcorp Genetics (formerly Invitae), Labcorp
Classification: Pathogenic. Last evaluated: 2024-03-31. Review status: criteria provided, single submitter. Criteria: Invitae Variant Classification Sherloc (09022015). Collection method: clinical testing. Allele origin: germline.
Comment: This sequence change creates a premature translational stop signal (p.Ser154*) in the ADGRV1 gene. It is expected to result in an absent or disrupted protein product. Loss-of-function variants in ADGRV1 are known to be pathogenic (PMID: 19357117, 22135276, 22147658, 26226137, 30718709, 31047384, 32467589). This variant is not present in population databases (gnomAD no frequency). This variant has not been reported in the literature in individuals affected with ADGRV1-related conditions. For these reasons, this variant has been classified as Pathogenic.

Literature cited by the submitters: PubMed 22147658 (cited by Equipe Genetique des Anomalies du Developpement, Université de Bourgogne and Labcorp Genetics (formerly Invitae), Labcorp); PubMed 32467589 (cited by Equipe Genetique des Anomalies du Developpement, Université de Bourgogne and Labcorp Genetics (formerly Invitae), Labcorp); PubMed 35076463 (cited by Equipe Genetique des Anomalies du Developpement, Université de Bourgogne); PubMed 37422204 (cited by Equipe Genetique des Anomalies du Developpement, Université de Bourgogne); PubMed 19357117 (cited by Labcorp Genetics (formerly Invitae), Labcorp); PubMed 22135276 (cited by Labcorp Genetics (formerly Invitae), Labcorp); PubMed 26226137 (cited by Labcorp Genetics (formerly Invitae), Labcorp); PubMed 30718709 (cited by Labcorp Genetics (formerly Invitae), Labcorp); PubMed 31047384 (cited by Labcorp Genetics (formerly Invitae), Labcorp).